The following is an entry in ClinVar:

ClinVar aggregate classification (germline): Uncertain significance (1 of 4 stars; one submission).

Conditions:
Arrhythmogenic right ventricular cardiomyopathy (ARVD). Also called: Arrhythmogenic right ventricular dysplasia; Cardiomyopathy, ARVC; Arrhythmogenic cardiomyopathy; Arrhythmogenic Right Ventricular Cardiomyopathy (ARVC). Identifiers: Orphanet 247, MedGen C0349788, MeSH D019571, MONDO:0016587. Disease mechanism: loss of function. Inheritance: Various modes of inheritance.

Submission:

All of Us Research Program, National Institutes of Health
Classification: Uncertain significance for Arrhythmogenic right ventricular cardiomyopathy. Last evaluated: 2023-08-15. Review status: criteria provided, single submitter. Criteria: ACMG Guidelines, 2015. Collection method: clinical testing. Allele origin: germline. Inheritance: Autosomal dominant inheritance. Observed: 1 variant allele, 1 heterozygote.
Comment: This missense variant replaces isoleucine with threonine at codon 116 of the DSG2 protein. Computational prediction suggests that this variant may not impact protein structure and function (internally defined REVEL score threshold <= 0.5, PMID: 27666373). To our knowledge, functional studies have not been reported for this variant. This variant has not been reported in individuals affected with DSG2-related disorders in the literature. This variant has not been identified in the general population by the Genome Aggregation Database (gnomAD). The available evidence is insufficient to determine the role of this variant in disease conclusively. Therefore, this variant is classified as a Variant of Uncertain Significance.

This study involves interpretation of variants in research participants for the purpose of population health screening. Participant phenotype was not available at the time of variant classification. Additional details can be found in publication PMID: 35346344, PMCID: PMC8962531

NM_001943.5(DSG2):c.347T>C (p.Ile116Thr)

Gene: DSG2 (desmoglein 2; plus strand). Cytogenetic location: 18q12.1.
Variant type: single nucleotide variant.
Coding change: c.347T>C on transcript NM_001943.5 (MANE Select); coding-DNA position 347, T replaced by C.
Protein change: p.Ile116Thr; replaces isoleucine 116 with threonine.
Molecular consequence: missense variant.
Genome position (GRCh38, 1-based): chr18:31,520,933, T>C. VCF-style: chr18-31520933-T-C. GRCh37 (hg19) VCF-style: chr18-29100896-T-C.
Other names: short protein forms I116T.
Identifiers: ClinVar variation 3072908 (VCV003072908.1), dbSNP rs2510910866, ClinGen allele CA402131625.